The following is an entry in ClinVar:

NM_001365999.1(SZT2):c.808C>T (p.Pro270Ser)

Gene: SZT2 (SZT2 subunit of KICSTOR complex; plus strand). Cytogenetic location: 1p34.2.
Variant type: single nucleotide variant.
Coding change: c.808C>T on transcript NM_001365999.1 (MANE Select); coding-DNA position 808, C replaced by T.
Protein change: p.Pro270Ser; replaces proline 270 with serine.
Molecular consequence: missense variant.
Genome position (GRCh38, 1-based): chr1:43,416,570, C>T. VCF-style: chr1-43416570-C-T. GRCh37 (hg19) VCF-style: chr1-43882241-C-T.
Other names: c.808C>T, p.Pro270Ser (NM_015284.4); short protein forms P270S.
Identifiers: ClinVar variation 1061417 (VCV001061417.9), dbSNP rs2153931635, ClinGen allele CA340003436.

ClinVar aggregate classification (germline): Uncertain significance (1 of 4 stars; one submission).

gnomAD v4.1: 1 of 1,598,324 alleles (0.000063%); highest among the groups gnomAD compares: Non-Finnish European, 0.000085%; no homozygotes.

Submission:

Labcorp Genetics (formerly Invitae), Labcorp
Classification: Uncertain significance. Last evaluated: 2022-06-09. Review status: criteria provided, single submitter. Criteria: Invitae Variant Classification Sherloc (09022015). Collection method: clinical testing. Allele origin: germline.
Comment: This sequence change replaces proline, which is neutral and non-polar, with serine, which is neutral and polar, at codon 270 of the SZT2 protein (p.Pro270Ser). This variant is not present in population databases (gnomAD no frequency). In summary, the available evidence is currently insufficient to determine the role of this variant in disease. Therefore, it has been classified as a Variant of Uncertain Significance. Algorithms developed to predict the effect of missense changes on protein structure and function are either unavailable or do not agree on the potential impact of this missense change (SIFT: "Deleterious"; PolyPhen-2: "Possibly Damaging"; Align-GVGD: "Class C0"). ClinVar contains an entry for this variant (Variation ID: 1061417). This variant has not been reported in the literature in individuals affected with SZT2-related conditions.